The following is an entry in ClinVar:

NM_018249.6(CDK5RAP2):c.4338T>A (p.Ser1446Arg)

Gene: CDK5RAP2 (CDK5 regulatory subunit associated protein 2; minus strand). Cytogenetic location: 9q33.2.
Variant type: single nucleotide variant.
Coding change: c.4338T>A on transcript NM_018249.6 (MANE Select); coding-DNA position 4338, T replaced by A.
Protein change: p.Ser1446Arg; replaces serine 1446 with arginine.
Molecular consequence: missense variant. On other transcripts: non-coding transcript variant (5).
Genome position (GRCh38, 1-based): chr9:120,411,434, A>T on the plus strand (T>A on the coding strand, the complement: CDK5RAP2 is on the minus strand). VCF-style: chr9-120411434-A-T. GRCh37 (hg19) VCF-style: chr9-123173712-A-T.
Other names: c.4338T>A, p.Ser1446Arg (NM_001011649.3); c.3648T>A, p.Ser1216Arg (NM_001272039.2); short protein forms S1446R, S1216R.
Identifiers: ClinVar variation 158149 (VCV000158149.19), dbSNP rs143341041, ClinGen allele CA271218.
Genomic context (GRCh38, chr9:120,411,434, plus strand): 5'-GAGCATTGCATTGAGGGCCTGGTTCTGCTTCCTCAAGAAATGAATTTCTGATGTTAGAGA[A>T]CTATGAAGCTCTGAACCAGAAGCAAAAATGCTTGTAGAACCTATAAAAACACACATAAAA-3'
Protein context (NP_060719.4, residues 1436-1456): SIFASGSELH[Ser1446Arg]SLTSEIHFLR

ClinVar aggregate classification (germline): Conflicting classifications of pathogenicity. Review status: criteria provided, conflicting classifications (1 of 4 stars). 5 submissions from 5 submitters: Uncertain significance (3); Likely benign (1). 1 of the submissions does not count toward it. Last evaluated 2026-01-12.

Conditions:
Microcephaly 3, primary, autosomal recessive. Identifiers: Orphanet 2512, MedGen C1858108, MONDO:0011488, OMIM 604804.
CDK5RAP2-related disorder. Also called: CDK5RAP2-related condition.

Allele frequency attached by ClinVar (database versions not stated): gnomAD 0.00008 and 0.00009; TOPMed 0.00031; ExAC 0.00046; gnomAD exomes 0.00075.
gnomAD v4.1: 222 of 1,613,172 alleles (0.014%); highest among the groups gnomAD compares: Admixed American, 0.37%; no homozygotes.

Submissions (5):

Labcorp Genetics (formerly Invitae), Labcorp
Classification: Likely benign. Last evaluated: 2026-01-12. Review status: criteria provided, single submitter. Criteria: Invitae Variant Classification Sherloc (09022015). Collection method: clinical testing. Allele origin: germline.

GeneDx
Classification: Uncertain significance. Last evaluated: 2018-05-17. Review status: criteria provided, single submitter. Criteria: GeneDx Variant Classification (06012015). Collection method: clinical testing. Allele origin: germline. Affected: yes.
Comment: A variant of uncertain significance has been identified in the CDK5RAP2 gene. The S1446R variant has not been published as a pathogenic variant, nor has it been reported as a benign variant to our knowledge. The S1446R variant is observed in 185/34420 (0.5%) alleles from individuals of Latino background in large population cohorts, which is greater than expected for this disorder. (Lek et al., 2016). However, the S1446R variant is a semi-conservative amino acid substitution, which may impact secondary protein structure as these residues differ in some properties. In-silico analyses, including protein predictors and evolutionary conservation, support a deleterious effect. Therefore, based on the currently available information, it is unclear whether this variant is a pathogenic variant or a rare benign variant.

Baylor Genetics
Classification: Uncertain significance for Microcephaly 3, primary, autosomal recessive. Last evaluated: 2018-01-26. Review status: criteria provided, single submitter. Criteria: ACMG Guidelines, 2015. Collection method: clinical testing. Allele origin: unknown. Affected: yes.
Comment: This variant was determined to be of uncertain significance according to ACMG Guidelines, 2015 [PMID:25741868].

Genetic Services Laboratory, University of Chicago
Classification: Uncertain significance for Microcephaly 3, primary, autosomal recessive. Last evaluated: 2013-02-08. Review status: criteria provided, single submitter. Criteria: ACMG Guidelines, 2007. Collection method: clinical testing. Allele origin: germline. Inheritance: Autosomal recessive inheritance.

PreventionGenetics, part of Exact Sciences
Classification: Likely benign for CDK5RAP2-related condition. Last evaluated: 2020-04-24. Review status: no assertion criteria provided. Collection method: clinical testing. Allele origin: germline. Not counted in ClinVar's aggregate classification.
Comment: This variant is classified as likely benign based on ACMG/AMP sequence variant interpretation guidelines (Richards et al. 2015 PMID: 25741868, with internal and published modifications).